The following is an entry in ClinVar:

NM_022041.4(GAN):c.1445C>T (p.Ala482Val)

Gene: GAN (gigaxonin; plus strand). Cytogenetic location: 16q23.2.
Variant type: single nucleotide variant.
Coding change: c.1445C>T on transcript NM_022041.4 (MANE Select); coding-DNA position 1445, C replaced by T.
Protein change: p.Ala482Val; replaces alanine 482 with valine.
Molecular consequence: missense variant.
Genome position (GRCh38, 1-based): chr16:81,365,421, C>T. VCF-style: chr16-81365421-C-T. GRCh37 (hg19) VCF-style: chr16-81399026-C-T.
Other names: c.806C>T, p.Ala269Val (NM_001377486.1); short protein forms A482V, A269V.
Identifiers: ClinVar variation 265171 (VCV000265171.68), dbSNP rs146576740, ClinGen allele CA8191766.

ClinVar aggregate classification (germline): Conflicting classifications of pathogenicity. Review status: criteria provided, conflicting classifications (1 of 4 stars). 9 submissions from 9 submitters: Uncertain significance (3); Benign (1); Likely benign (4). 1 of the submissions does not count toward it. Last evaluated 2026-01-25.

Conditions:
GAN-related disorder. Also called: GAN-related condition.
Inborn genetic diseases. Identifiers: MedGen C0950123, MeSH D030342.
Giant axonal neuropathy 1 (GAN1). Also called: GAN-Related Neurodegeneration; GIANT AXONAL NEUROPATHY 1, AUTOSOMAL RECESSIVE. Identifiers: Orphanet 643, MedGen C1850386, MONDO:0009749, OMIM 256850.

Allele frequency attached by ClinVar (database versions not stated): 1000 Genomes Project 30x 0.00062; 1000 Genomes Project 0.00080; gnomAD 0.00164 and 0.00169; TOPMed 0.00173; ESP Exome Variant Server 0.00177; gnomAD exomes 0.00236.
gnomAD v4.1: 3,703 of 1,613,374 alleles (0.23%); highest among the groups gnomAD compares: Middle Eastern, 0.69%; 5 homozygotes.

Submissions (9):

Labcorp Genetics (formerly Invitae), Labcorp
Classification: Likely benign for Giant axonal neuropathy 1. Last evaluated: 2026-01-25. Review status: criteria provided, single submitter. Criteria: Invitae Variant Classification Sherloc (09022015). Collection method: clinical testing. Allele origin: germline.

Mayo Clinic Laboratories, Mayo Clinic
Classification: Benign. Last evaluated: 2025-02-18. Review status: criteria provided, single submitter. Criteria: ACMG Guidelines, 2015. Collection method: clinical testing. Allele origin: germline. Observed: 11 variant alleles.
Comment: BS1, BS2, BP4

Women's Health and Genetics/Laboratory Corporation of America, LabCorp
Classification: Likely benign. Last evaluated: 2025-01-14. Review status: criteria provided, single submitter. Criteria: LabCorp Variant Classification Summary - May 2015. Collection method: clinical testing. Allele origin: germline.
Comment: Variant summary: GAN c.1445C>T (p.Ala482Val) results in a non-conservative amino acid change in the encoded protein sequence. Three of four in-silico tools predict a benign effect of the variant on protein function. The variant allele was found at a frequency of 0.0017 in 251492 control chromosomes. The observed variant frequency is approximately 1.5 fold of the estimated maximal expected allele frequency for a pathogenic variant in GAN causing Giant axonal neuropathy 1 phenotype (0.0011). To our knowledge, no occurrence of c.1445C>T in individuals affected with Giant axonal neuropathy 1 and no experimental evidence demonstrating its impact on protein function have been reported. ClinVar contains an entry for this variant (Variation ID: 265171). Based on the evidence outlined above, the variant was classified as likely benign.

ARUP Laboratories, Molecular Genetics and Genomics, ARUP Laboratories
Classification: Uncertain significance for Giant axonal neuropathy 1. Last evaluated: 2024-10-02. Review status: criteria provided, single submitter. Criteria: ARUP Molecular Germline Variant Investigation Process 2024. Collection method: clinical testing. Allele origin: germline.
Comment: The GAN c.1445C>T; p.Ala482Val variant (rs146576740) is reported in a family with hereditary distal motor neuropathy but did not segregate with disease (Weterman 2023). This variant is found in the general population with an overall allele frequency of 0.17% (468/282820 alleles) in the Genome Aggregation Database (v.2.1.1), with an elevated frequency of 0.58% (60/10,366 alleles) in the Ashkenazi Jewish populaiton. Computational analyses are uncertain whether this variant is neutral or deleterious (REVEL: 0.169). Based on available information, this variant is considered to be likely benign. References: Weterman MAJ et al. Pathogenic variants in three families with distal muscle involvement. Neuromuscul Disord. 2023 Jan;33(1):58-64. PMID: 36539320.

CeGaT Center for Human Genetics Tuebingen
Classification: Uncertain significance. Last evaluated: 2024-01-01. Review status: criteria provided, single submitter. Criteria: CeGaT Center For Human Genetics Tuebingen Variant Classification Criteria Version 2. Collection method: clinical testing. Allele origin: germline. Affected: yes. Observed: 5 variant alleles.
Comment: GAN: PM2:Supporting, BP4

GeneDx
Classification: Likely benign. Last evaluated: 2020-09-11. Review status: criteria provided, single submitter. Criteria: GeneDx Variant Classification Process June 2021. Collection method: clinical testing. Allele origin: germline. Affected: yes.

Ambry Genetics
Classification: Likely benign for Inborn genetic diseases. Last evaluated: 2019-09-26. Review status: criteria provided, single submitter. Criteria: Ambry Variant Classification Scheme 2023. Collection method: clinical testing. Allele origin: germline.

Illumina Laboratory Services, Illumina
Classification: Uncertain significance for Giant axonal neuropathy 1. Last evaluated: 2018-01-13. Review status: criteria provided, single submitter. Criteria: ICSL Variant Classification Criteria 13 December 2019. Collection method: clinical testing. Allele origin: germline.

PreventionGenetics, part of Exact Sciences
Classification: Likely benign for GAN-related condition. Last evaluated: 2019-05-22. Review status: no assertion criteria provided. Collection method: clinical testing. Allele origin: germline. Not counted in ClinVar's aggregate classification.
Comment: This variant is classified as likely benign based on ACMG/AMP sequence variant interpretation guidelines (Richards et al. 2015 PMID: 25741868, with internal and published modifications).

Literature cited by the submitters: PubMed 36539320 (cited by Mayo Clinic Laboratories, Mayo Clinic).